The following is an entry in ClinVar:

NM_001346022.3(USP45):c.627A>G (p.Ala209=)

Gene: USP45 (ubiquitin specific peptidase 45; minus strand). Cytogenetic location: 6q16.2.
Variant type: single nucleotide variant.
Coding change: c.627A>G on transcript NM_001346022.3 (MANE Select); coding-DNA position 627, A replaced by G.
Protein change: p.Ala209=; no amino-acid change (alanine 209 retained).
Molecular consequence: synonymous variant. On other transcripts: 5 prime UTR variant (3), non-coding transcript variant (5).
Genome position (GRCh38, 1-based): chr6:99,488,287, T>C on the plus strand (A>G on the coding strand, the complement: USP45 is on the minus strand). VCF-style: chr6-99488287-T-C. GRCh37 (hg19) VCF-style: chr6-99936163-T-C.
Other names: c.627A>G, p.Ala209= (NM_001080481.3, NM_001346021.3, NM_001346024.3 and 4 more transcripts); c.624A>G, p.Ala208= (NM_001346023.3, NM_001346025.3); c.-499A>G (NM_001346027.3, NM_001346029.3); c.-362A>G (NM_001346028.3).
Identifiers: ClinVar variation 2656781 (VCV002656781.24), dbSNP rs61733471, ClinGen allele CA3935545.
Genomic context (GRCh38, chr6:99,488,287, plus strand): 5'-CTTGAGTTTTGTACTACTTTCTTTGATCTCATTCATCAGATCAGTAAGAGTATAAGTCTG[T>C]GCCAAGTTCTAAAAGAAAACAAAATTAAAGTCTTCAGATTCAGTTAAAATATGCCTCTGA-3'
Protein context (NP_001332951.1, residues 199-219): CFFNAVMQNL[Ala209=]QTYTLTDLMN

ClinVar aggregate classification (germline): Likely benign (1 of 4 stars; one submission).

Allele frequency attached by ClinVar (database versions not stated): 1000 Genomes Project 30x 0.00031; 1000 Genomes Project 0.00040; TOPMed 0.00200; gnomAD 0.00212; ExAC 0.00242; gnomAD exomes 0.00312; ESP Exome Variant Server 0.00338.
gnomAD v4.1: 4,817 of 1,601,560 alleles (0.3%); highest among the groups gnomAD compares: Non-Finnish European, 0.37%; 11 homozygotes.

Submission:

CeGaT Center for Human Genetics Tuebingen
Classification: Likely benign. Last evaluated: 2023-07-01. Review status: criteria provided, single submitter. Criteria: CeGaT Center For Human Genetics Tuebingen Variant Classification Criteria Version 2. Collection method: clinical testing. Allele origin: germline. Affected: yes. Observed: 1 variant allele.
Comment: USP45: BP4, BP7